The following is an entry in ClinVar:

ClinVar aggregate classification (germline): Uncertain significance (1 of 4 stars; one submission).

Conditions:
Neurodevelopmental disorder with epilepsy and hypoplasia of the corpus callosum. Identifiers: MedGen C4748137, MONDO:0060761, OMIM 618090.

Submission:

Neuberg Centre For Genomic Medicine, NCGM
Classification: Uncertain significance for Neurodevelopmental disorder with epilepsy and hypoplasia of the corpus callosum. Last evaluated: 2023-07-22. Review status: criteria provided, single submitter. Criteria: ACMG Guidelines, 2015. Collection method: clinical testing. Allele origin: germline. Inheritance: Autosomal recessive inheritance. Affected: yes.
Comment: The missense variant c.200C>T p.Pro67Leu in LNPK gene has not been reported previously as a pathogenic variant nor as a benign variant, to our knowledge. The observed variant is absent in gnomAD exomes database. This variant has not been submitted to the ClinVar database. Multiple lines of computational evidence Polyphen - probably damaging, SIFT - damaging and MutationTaster - disease causing predict a damaging effect on protein structure and function for this variant. The amino acid change p.Pro67Leu in LNPK is predicted as conserved by GERP++ and PhyloP across 100 vertebrates. The amino acid Pro at position 67 is changed to a Leu changing protein sequence and it might alter its composition and physico-chemical properties. For these reasons, this variant has been classified as Uncertain Significance VUS.

NM_030650.3(LNPK):c.200C>T (p.Pro67Leu)

Gene: LNPK (lunapark, ER junction formation factor; minus strand). Cytogenetic location: 2q31.1.
Variant type: single nucleotide variant.
Coding change: c.200C>T on transcript NM_030650.3 (MANE Select); coding-DNA position 200, C replaced by T.
Protein change: p.Pro67Leu; replaces proline 67 with leucine.
Molecular consequence: missense variant. On other transcripts: non-coding transcript variant (1), intron variant (2).
Genome position (GRCh38, 1-based): chr2:175,992,288, G>A on the plus strand (C>T on the coding strand, the complement: LNPK is on the minus strand). VCF-style: chr2-175992288-G-A. GRCh37 (hg19) VCF-style: chr2-176857016-G-A.
Other names: c.398C>T, p.Pro133Leu (NM_001305008.1); c.200C>T, p.Pro67Leu (NM_001305009.1); c.-113+3270C>T (NM_001305011.2); c.221-15C>T (NM_001305010.1); short protein forms P133L, P67L.
Identifiers: ClinVar variation 3391343 (VCV003391343.1).